The following is an entry in ClinVar:

ClinVar aggregate classification (germline): Uncertain significance (1 of 4 stars; one submission).

Conditions:
PLXNA2-related disorder. Also called: PLXNA2-related condition.

Allele frequency attached by ClinVar (database versions not stated): gnomAD exomes below 0.00001.
gnomAD v4.1: 6 of 1,611,696 alleles (0.00037%); highest among the groups gnomAD compares: Non-Finnish European, 0.000085%; no homozygotes.

Submission:

PreventionGenetics, part of Exact Sciences
Classification: Uncertain significance for PLXNA2-related condition. Last evaluated: 2022-12-15. Review status: criteria provided, single submitter. Criteria: ACMG Guidelines, 2015. Collection method: clinical testing. Allele origin: germline.
Comment: The PLXNA2 c.913G>A variant is predicted to result in the amino acid substitution p.Val305Met. To our knowledge, this variant has not been reported in the literature or in a large population database, indicating this variant is rare. At this time, the clinical significance of this variant is uncertain due to the absence of conclusive functional and genetic evidence.

NM_025179.4(PLXNA2):c.913G>A (p.Val305Met)

Gene: PLXNA2 (plexin A2; minus strand). Cytogenetic location: 1q32.2.
Variant type: single nucleotide variant.
Coding change: c.913G>A on transcript NM_025179.4 (MANE Select); coding-DNA position 913, G replaced by A.
Protein change: p.Val305Met; replaces valine 305 with methionine.
Molecular consequence: missense variant.
Genome position (GRCh38, 1-based): chr1:208,217,010, C>T on the plus strand (G>A on the coding strand, the complement: PLXNA2 is on the minus strand). VCF-style: chr1-208217010-C-T. GRCh37 (hg19) VCF-style: chr1-208390355-C-T.
Other names: short protein forms V305M.
Identifiers: ClinVar variation 2628775 (VCV002628775.1), dbSNP rs2527195672, ClinGen allele CA344558001.
Genomic context (GRCh38, chr1:208,217,010, plus strand): 5'-CCTGGGCCAGTGAGTCCCCAGGCTTGGCCAGGTAAGCAGCCTGCAGGAGGCGGTATTCCA[C>T]CCCGGCCCGGGTGCAGCCGAAGGGCAGGGACACGTATGAGTGGAACTTGGGGTCATCCTT-3'
Protein context (NP_079455.3, residues 295-315): SLPFGCTRAG[Val305Met]EYRLLQAAYL